The following is an entry in ClinVar:

ClinVar aggregate classification (germline): Uncertain significance. Review status: criteria provided, multiple submitters, no conflicts (2 of 4 stars). 2 submissions from 2 submitters: Uncertain significance (2). Last evaluated 2023-02-06.

Conditions:
Amyotrophic lateral sclerosis (ALS). Also called: Charcot disease; Lou Gehrig disease. Identifiers: Orphanet 803, MedGen C0002736, MONDO:0004976, HP:0007354.

Allele frequency attached by ClinVar (database versions not stated): gnomAD exomes below 0.00001 and 0.00001; gnomAD 0.00001; ExAC 0.00002; TOPMed 0.00002; ESP Exome Variant Server 0.00008.

Submissions (2):

Labcorp Genetics (formerly Invitae), Labcorp
Classification: Uncertain significance. Last evaluated: 2023-02-06. Review status: criteria provided, single submitter. Criteria: Invitae Variant Classification Sherloc (09022015). Collection method: clinical testing. Allele origin: germline.
Comment: In summary, the available evidence is currently insufficient to determine the role of this variant in disease. Therefore, it has been classified as a Variant of Uncertain Significance. Algorithms developed to predict the effect of missense changes on protein structure and function are either unavailable or do not agree on the potential impact of this missense change (SIFT: "Deleterious"; PolyPhen-2: "Benign"; Align-GVGD: "Class C0"). ClinVar contains an entry for this variant (Variation ID: 981020). This variant has not been reported in the literature in individuals affected with ERBB4-related conditions. This variant is present in population databases (rs373685875, gnomAD 0.002%). This sequence change replaces methionine, which is neutral and non-polar, with threonine, which is neutral and polar, at codon 1059 of the ERBB4 protein (p.Met1059Thr).

UM ALS/MND Lab, University Of Malta
Classification: Uncertain significance for Amyotrophic lateral sclerosis. Last evaluated: 2020-09-09. Review status: criteria provided, single submitter. Criteria: ACMG Guidelines, 2015. Collection method: case-control. Allele origin: unknown. Affected: yes. Observed: 1 variant allele.
Comment: Single heterozygote

NM_005235.3(ERBB4):c.3176T>C (p.Met1059Thr)

Gene: ERBB4 (erb-b2 receptor tyrosine kinase 4; minus strand). Cytogenetic location: 2q34.
Variant type: single nucleotide variant.
Coding change: c.3176T>C on transcript NM_005235.3 (MANE Select); coding-DNA position 3176, T replaced by C.
Protein change: p.Met1059Thr; replaces methionine 1059 with threonine.
Molecular consequence: missense variant. On other transcripts: intron variant (2).
Genome position (GRCh38, 1-based): chr2:211,387,952, A>G on the plus strand (T>C on the coding strand, the complement: ERBB4 is on the minus strand). VCF-style: chr2-211387952-A-G. GRCh37 (hg19) VCF-style: chr2-212252677-A-G.
Other names: c.3146T>C, p.Met1049Thr (NM_001439005.1); c.3136-802T>C (NM_001042599.2); c.3106-802T>C (NM_001439006.1); short protein forms M1059T, M1049T.
Identifiers: ClinVar variation 981020 (VCV000981020.5), dbSNP rs373685875, ClinGen allele CA2087514.